The following is an entry in ClinVar:

ClinVar aggregate classification (germline): Uncertain significance. Review status: criteria provided, multiple submitters, no conflicts (2 of 4 stars). 2 submissions from 2 submitters: Uncertain significance (2). Last evaluated 2025-02-18.

Conditions:
Hereditary cancer-predisposing syndrome. Also called: Hereditary neoplastic syndrome; Neoplastic Syndromes, Hereditary; Tumor predisposition; Hereditary Cancer Syndrome. Identifiers: Orphanet 140162, MedGen C0027672, MeSH D009386, MONDO:0015356.

Allele frequency attached by ClinVar (database versions not stated): gnomAD exomes below 0.00001; TOPMed below 0.00001; gnomAD 0.00001.
gnomAD v4.1: 2 of 1,593,840 alleles (0.00013%); highest among the groups gnomAD compares: African/African-American, 0.0027%; no homozygotes.

Submissions (2):

Labcorp Genetics (formerly Invitae), Labcorp
Classification: Uncertain significance for Hereditary cancer-predisposing syndrome. Last evaluated: 2025-02-18. Review status: criteria provided, single submitter. Criteria: Invitae Variant Classification Sherloc (09022015). Collection method: clinical testing. Allele origin: germline.
Comment: This sequence change replaces glutamine, which is neutral and polar, with glutamic acid, which is acidic and polar, at codon 74 of the RAD50 protein (p.Gln74Glu). This variant is not present in population databases (gnomAD no frequency). This variant has not been reported in the literature in individuals affected with RAD50-related conditions. ClinVar contains an entry for this variant (Variation ID: 184793). Invitae Evidence Modeling of protein sequence and biophysical properties (such as structural, functional, and spatial information, amino acid conservation, physicochemical variation, residue mobility, and thermodynamic stability) indicates that this missense variant is not expected to disrupt RAD50 protein function with a negative predictive value of 80%. In summary, the available evidence is currently insufficient to determine the role of this variant in disease. Therefore, it has been classified as a Variant of Uncertain Significance.

Ambry Genetics
Classification: Uncertain significance for Hereditary cancer-predisposing syndrome. Last evaluated: 2024-09-06. Review status: criteria provided, single submitter. Criteria: Ambry Variant Classification Scheme 2023. Collection method: clinical testing. Allele origin: germline.
Comment: The p.Q74E variant (also known as c.220C>G), located in coding exon 3 of the RAD50 gene, results from a C to G substitution at nucleotide position 220. The glutamine at codon 74 is replaced by glutamic acid, an amino acid with highly similar properties. This amino acid position is not well conserved in available vertebrate species. In addition, this alteration is predicted to be tolerated by in silico analysis. Since supporting evidence is limited at this time, the clinical significance of this alteration remains unclear.

NM_005732.4(RAD50):c.220C>G (p.Gln74Glu)

Gene: RAD50 (RAD50 double strand break repair protein; plus strand). Cytogenetic location: 5q31.1.
Variant type: single nucleotide variant.
Coding change: c.220C>G on transcript NM_005732.4 (MANE Select); coding-DNA position 220, C replaced by G.
Protein change: p.Gln74Glu; replaces glutamine 74 with glutamic acid.
Molecular consequence: missense variant.
Genome position (GRCh38, 1-based): chr5:132,575,783, C>G. VCF-style: chr5-132575783-C-G. GRCh37 (hg19) VCF-style: chr5-131911475-C-G.
Other names: short protein forms Q74E.
Identifiers: ClinVar variation 184793 (VCV000184793.15), dbSNP rs786201699, ClinGen allele CA190060.